The following is an entry in ClinVar:

NM_004972.4(JAK2):c.98A>C (p.Lys33Thr)

Genes: INSL6 (insulin like 6; minus strand), JAK2 (Janus kinase 2; plus strand). Cytogenetic location: 9p24.1.
Variant type: single nucleotide variant.
Coding change: c.98A>C on transcript NM_004972.4 (MANE Select); coding-DNA position 98, A replaced by C.
Protein change: p.Lys33Thr; replaces lysine 33 with threonine.
Molecular consequence: missense variant. On other transcripts: 5 prime UTR variant (2), non-coding transcript variant (2).
Genome position (GRCh38, 1-based): chr9:5,022,085, A>C. VCF-style: chr9-5022085-A-C. GRCh37 (hg19) VCF-style: chr9-5022085-A-C.
Other names: c.98A>C, p.Lys33Thr (NM_001322194.2, NM_001322195.2, NM_001322196.2); c.-1023A>C (NM_001322198.2, NM_001322199.2); short protein forms K33T.
Identifiers: ClinVar variation 3766907 (VCV003766907.1).

ClinVar aggregate classification (germline): Uncertain significance (1 of 4 stars; one submission).

gnomAD v4.1: 52 of 1,613,706 alleles (0.0032%); highest among the groups gnomAD compares: Non-Finnish European, 0.0042%; no homozygotes.

Submission:

ARUP Laboratories, Molecular Genetics and Genomics, ARUP Laboratories
Classification: Uncertain significance. Last evaluated: 2024-10-18. Review status: criteria provided, single submitter. Criteria: ARUP Molecular Germline Variant Investigation Process 2024. Collection method: clinical testing. Allele origin: germline.
Comment: The JAK2 c.98A>C; p.Lys33Thr variant (rs538474116) is reported in the literature in an individual affected with a myeloproliferative neoplasm, however, it was not specified if the variant was germline or somatic (Maslah 2019). This variant is absent from the Genome Aggregation Database (v2.1.1), indicating it is not a common polymorphism. Computational analyses are uncertain whether this variant is neutral or deleterious (REVEL: 0.188). Due to limited information, the clinical significance of this variant is uncertain at this time. References: Maslah N et al. Next-generation sequencing for JAK2 mutation testing: advantages and pitfalls. Ann Hematol. 2019 Jan;98(1):111-118. PMID: 30259120.